The following is an entry in ClinVar:

ClinVar aggregate classification (germline): Uncertain significance (1 of 4 stars; one submission).

Conditions:
Rubinstein-Taybi syndrome (RSTS). Identifiers: Orphanet 783, MedGen C0035934, MONDO:0019188.

Submission:

Labcorp Genetics (formerly Invitae), Labcorp
Classification: Uncertain significance for Rubinstein-Taybi syndrome. Last evaluated: 2023-12-26. Review status: criteria provided, single submitter. Criteria: Invitae Variant Classification Sherloc (09022015). Collection method: clinical testing. Allele origin: germline.
Comment: This sequence change falls in intron 22 of the CREBBP gene. It does not directly change the encoded amino acid sequence of the CREBBP protein. This variant is present in population databases (rs766055737, gnomAD 0.0009%). This variant has not been reported in the literature in individuals affected with CREBBP-related conditions. Experimental studies and prediction algorithms are not available or were not evaluated, and the effect of this variant on mRNA splicing is currently unknown. In summary, the available evidence is currently insufficient to determine the role of this variant in disease. Therefore, it has been classified as a Variant of Uncertain Significance.

NM_004380.3(CREBBP):c.3914+17_3914+32del

Gene: CREBBP (CREB binding lysine acetyltransferase; minus strand). Cytogenetic location: 16p13.3.
Variant type: Deletion.
Coding change: c.3914+17_3914+32del on transcript NM_004380.3 (MANE Select); bases 17 to 32 of the intron after coding-DNA position 3914, 16 bases deleted (GGCCTGGAGGGCAGTT).
Molecular consequence: intron variant.
Genome position (GRCh38, 1-based): chr16:3,745,245-3,745,260, AACTGCCCTCCAGGCC deleted on the plus strand (GGCCTGGAGGGCAGTT on the coding strand, the reverse complement: CREBBP is on the minus strand); deleting any 16 consecutive bases within chr16:3,745,245-3,745,261 gives the same sequence; the c. name uses the placement nearest the transcript's 3' end. VCF-style (leftmost placement, unchanged base first): chr16-3745244-GAACTGCCCTCCAGGCC-G. GRCh37 (hg19) VCF-style: chr16-3795245-GAACTGCCCTCCAGGCC-G.
Other names: c.3800+17_3800+32del (NM_001079846.1).
Identifiers: ClinVar variation 2705627 (VCV002705627.3), dbSNP rs766055737, ClinGen allele CA7869687.